The following is an entry in ClinVar:

NM_021620.4(PRDM13):c.1116GCC[5] (p.Pro378del)

Genes: PRDM13 (PR/SET domain 13; plus strand), LOC129996881 (ATAC-STARR-seq lymphoblastoid silent region 17422; plus strand). Cytogenetic location: 6q16.2.
Variant type: Microsatellite.
Coding change: c.1116GCC[5] on transcript NM_021620.4 (MANE Select); five copies in a row of the 3-base unit GCC starting at c.1116; the reference has six copies in a row; one copy, 3 bases deleted.
Protein change: p.Pro378del; deletes proline 378.
Molecular consequence: inframe deletion.
Genome position (GRCh38, 1-based): chr6:99,613,766-99,613,768, GCC deleted; deleting any 3 consecutive bases within chr6:99,613,749-99,613,768 gives the same sequence; the position shown is the placement nearest the transcript's 3' end. VCF-style (leftmost placement, unchanged base first): chr6-99613748-CCCG-C. GRCh37 (hg19) VCF-style: chr6-100061624-CCCG-C.
Other names: short protein forms P378del.
Identifiers: ClinVar variation 1402217 (VCV001402217.7), dbSNP rs112674667, ClinGen allele CA3936320.

ClinVar aggregate classification (germline): Uncertain significance. Review status: criteria provided, multiple submitters, no conflicts (2 of 4 stars). 2 submissions from 2 submitters: Uncertain significance (2). Last evaluated 2024-10-24.

Submissions (2):

Labcorp Genetics (formerly Invitae), Labcorp
Classification: Uncertain significance. Last evaluated: 2024-10-24. Review status: criteria provided, single submitter. Criteria: Invitae Variant Classification Sherloc (09022015). Collection method: clinical testing. Allele origin: germline.
Comment: This variant, c.1131_1133del, results in the deletion of 1 amino acid(s) of the PRDM13 protein (p.Pro378del), but otherwise preserves the integrity of the reading frame. The frequency data for this variant in the population databases is considered unreliable, as metrics indicate poor data quality at this position in the gnomAD database. This variant has not been reported in the literature in individuals affected with PRDM13-related conditions. Experimental studies and prediction algorithms are not available or were not evaluated, and the functional significance of this variant is currently unknown. In summary, the available evidence is currently insufficient to determine the role of this variant in disease. Therefore, it has been classified as a Variant of Uncertain Significance.

Breakthrough Genomics
Classification: Uncertain significance. Review status: criteria provided, single submitter. Criteria: ACMG Guidelines, 2015. Collection method: not provided. Allele origin: germline. Inheritance: Autosomal recessive inheritance. Affected: yes.